The following is an entry in ClinVar:

NM_024677.6(NSUN7):c.1037-5C>T

Gene: NSUN7 (NOP2/Sun RNA methyltransferase family member 7; plus strand). Cytogenetic location: 4p14.
Variant type: single nucleotide variant.
Coding change: c.1037-5C>T on transcript NM_024677.6 (MANE Select); 5 bases into the intron before coding-DNA position 1037, C replaced by T.
Molecular consequence: intron variant.
Genome position (GRCh38, 1-based): chr4:40,790,597, C>T. VCF-style: chr4-40790597-C-T. GRCh37 (hg19) VCF-style: chr4-40792614-C-T.
Other names: c.1037-5C>T (NM_001330648.3).
Identifiers: ClinVar variation 2654738 (VCV002654738.24), dbSNP rs182802946, ClinGen allele CA2898953.
Genomic context (GRCh38, chr4:40,790,597, plus strand): 5'-ATCACATACTACATTAAGATTTTTCATTAATATTTTACATTAAATTTTCTGTGTTTTTTC[C>T]CCAGATATTGAAATACTTCATGAGAAATTTATTAACATTGAATCAAAGGATCACAGGTTA-3'

ClinVar aggregate classification (germline): Likely benign (1 of 4 stars; one submission).

Allele frequency attached by ClinVar (database versions not stated): 1000 Genomes Project 0.00080; 1000 Genomes Project 30x 0.00125; TOPMed 0.00211; gnomAD 0.00242; ESP Exome Variant Server 0.00293; ExAC 0.00297.
gnomAD v4.1: 4,236 of 1,499,126 alleles (0.28%); highest among the groups gnomAD compares: Non-Finnish European, 0.33%; 15 homozygotes.

Submission:

CeGaT Center for Human Genetics Tuebingen
Classification: Likely benign. Last evaluated: 2023-02-01. Review status: criteria provided, single submitter. Criteria: CeGaT Center For Human Genetics Tuebingen Variant Classification Criteria Version 2. Collection method: clinical testing. Allele origin: germline. Affected: yes. Observed: 1 variant allele.
Comment: NSUN7: BP4, BS2